The following is an entry in ClinVar:

NM_003579.4(RAD54L):c.1396A>G (p.Lys466Glu)

Gene: RAD54L (RAD54 like; plus strand). Cytogenetic location: 1p34.1.
Variant type: single nucleotide variant.
Coding change: c.1396A>G on transcript NM_003579.4 (MANE Select); coding-DNA position 1396, A replaced by G.
Protein change: p.Lys466Glu; replaces lysine 466 with glutamic acid.
Molecular consequence: missense variant.
Genome position (GRCh38, 1-based): chr1:46,273,375, A>G. VCF-style: chr1-46273375-A-G. GRCh37 (hg19) VCF-style: chr1-46739047-A-G.
Other names: c.1396A>G, p.Lys466Glu (NM_001142548.2); c.856A>G, p.Lys286Glu (NM_001370766.1); short protein forms K466E, K286E.
Identifiers: ClinVar variation 2625172 (VCV002625172.2), dbSNP rs2525711360, ClinGen allele CA340180385.

ClinVar aggregate classification (germline): Uncertain significance (1 of 4 stars; one submission).

Allele frequency attached by ClinVar (database versions not stated): gnomAD exomes below 0.00001.

Submission:

Ambry Genetics
Classification: Uncertain significance. Last evaluated: 2023-09-06. Review status: criteria provided, single submitter. Criteria: Ambry Variant Classification Scheme 2023. Collection method: clinical testing. Allele origin: germline.
Comment: The p.K466E variant (also known as c.1396A>G), located in coding exon 13 of the RAD54L gene, results from an A to G substitution at nucleotide position 1396. The lysine at codon 466 is replaced by glutamic acid, an amino acid with similar properties. This amino acid position is conserved. In addition, this alteration is predicted to be deleterious by in silico analysis. Since supporting evidence is limited at this time, the clinical significance of this alteration remains unclear.